The following is an entry in ClinVar:

ClinVar aggregate classification (germline): Conflicting classifications of pathogenicity. Review status: criteria provided, conflicting classifications (1 of 4 stars). 6 submissions from 6 submitters: Uncertain significance (1); Benign (1); Likely benign (3). 1 of the submissions does not count toward it. Last evaluated 2025-11-22.

Conditions:
DNM2-related disorder. Also called: DNM2-related condition.
Charcot-Marie-Tooth disease dominant intermediate B (CMTDIB). Also called: Charcot-Marie-Tooth disease dominant intermediate 1; CMT DI1; Charcot-Marie-Tooth disease dominant intermediate I; CHARCOT-MARIE-TOOTH NEUROPATHY, DOMINANT INTERMEDIATE B. Identifiers: Orphanet 100044, Orphanet 228179, MedGen C1847902, MONDO:0011674, OMIM 606482.

Allele frequency attached by ClinVar (database versions not stated): ExAC 0.00011; gnomAD exomes 0.00011; gnomAD 0.00025 and 0.00028; TOPMed 0.00028; ESP Exome Variant Server 0.00038.
gnomAD v4.1: 84 of 1,614,180 alleles (0.0052%); highest among the groups gnomAD compares: African/African-American, 0.079%; no homozygotes.

Submissions (6):

Labcorp Genetics (formerly Invitae), Labcorp
Classification: Likely benign for Charcot-Marie-Tooth disease dominant intermediate B. Last evaluated: 2025-11-22. Review status: criteria provided, single submitter. Criteria: Invitae Variant Classification Sherloc (09022015). Collection method: clinical testing. Allele origin: germline.

Women's Health and Genetics/Laboratory Corporation of America, LabCorp
Classification: Benign. Last evaluated: 2025-10-13. Review status: criteria provided, single submitter. Criteria: LabCorp Variant Classification Summary - May 2015. Collection method: clinical testing. Allele origin: germline.

CeGaT Center for Human Genetics Tuebingen
Classification: Likely benign. Last evaluated: 2022-12-01. Review status: criteria provided, single submitter. Criteria: CeGaT Center For Human Genetics Tuebingen Variant Classification Criteria Version 2. Collection method: clinical testing. Allele origin: germline. Affected: yes. Observed: 1 variant allele.
Comment: DNM2: BP4, BP7

GeneDx
Classification: Likely benign. Last evaluated: 2020-12-17. Review status: criteria provided, single submitter. Criteria: GeneDx Variant Classification Process June 2021. Collection method: clinical testing. Allele origin: germline. Affected: yes.

Eurofins Ntd Llc (ga)
Classification: Uncertain significance. Last evaluated: 2016-12-21. Review status: criteria provided, single submitter. Criteria: EGL Classification Definitions 2015. Collection method: clinical testing. Allele origin: germline. Observed: 1 variant allele, 1 heterozygote.

PreventionGenetics, part of Exact Sciences
Classification: Likely benign for DNM2-related condition. Last evaluated: 2019-06-12. Review status: no assertion criteria provided. Collection method: clinical testing. Allele origin: germline. Not counted in ClinVar's aggregate classification.
Comment: This variant is classified as likely benign based on ACMG/AMP sequence variant interpretation guidelines (Richards et al. 2015 PMID: 25741868, with internal and published modifications).

NM_001005361.3(DNM2):c.645C>T (p.Asp215=)

Gene: DNM2 (dynamin 2; plus strand). Cytogenetic location: 19p13.2.
Variant type: single nucleotide variant.
Coding change: c.645C>T on transcript NM_001005361.3 (MANE Select); coding-DNA position 645, C replaced by T.
Protein change: p.Asp215=; no amino-acid change (aspartic acid 215 retained).
Molecular consequence: synonymous variant.
Genome position (GRCh38, 1-based): chr19:10,777,173, C>T. VCF-style: chr19-10777173-C-T. GRCh37 (hg19) VCF-style: chr19-10887849-C-T.
Other names: c.645C>T, p.Asp215= (NM_001005360.3, NM_001005362.3, NM_001190716.2 and 1 more transcripts).
Identifiers: ClinVar variation 498594 (VCV000498594.44), dbSNP rs148900299, ClinGen allele CA9200849.